The following is an entry in ClinVar:

ClinVar aggregate classification (germline): Uncertain significance (1 of 4 stars; one submission).

Submission:

Labcorp Genetics (formerly Invitae), Labcorp
Classification: Uncertain significance. Last evaluated: 2024-10-20. Review status: criteria provided, single submitter. Criteria: Invitae Variant Classification Sherloc (09022015). Collection method: clinical testing. Allele origin: germline.
Comment: This sequence change replaces isoleucine, which is neutral and non-polar, with threonine, which is neutral and polar, at codon 1952 of the FN1 protein (p.Ile1952Thr). This variant is not present in population databases (gnomAD no frequency). This variant has not been reported in the literature in individuals affected with FN1-related conditions. An algorithm developed to predict the effect of missense changes on protein structure and function (PolyPhen-2) suggests that this variant is likely to be disruptive. In summary, the available evidence is currently insufficient to determine the role of this variant in disease. Therefore, it has been classified as a Variant of Uncertain Significance.

NM_212482.4(FN1):c.5855T>C (p.Ile1952Thr)

Genes: FN1 (fibronectin 1; minus strand), LOC126806496 (CDK7 strongly-dependent group 2 enhancer GRCh37_chr2:216240057-216241256; plus strand). Cytogenetic location: 2q35.
Variant type: single nucleotide variant.
Coding change: c.5855T>C on transcript NM_212482.4 (MANE Select); coding-DNA position 5855, T replaced by C.
Protein change: p.Ile1952Thr; replaces isoleucine 1952 with threonine.
Molecular consequence: missense variant.
Genome position (GRCh38, 1-based): chr2:215,376,530, A>G on the plus strand (T>C on the coding strand, the complement: FN1 is on the minus strand). VCF-style: chr2-215376530-A-G. GRCh37 (hg19) VCF-style: chr2-216241253-A-G.
Other names: c.5855T>C, p.Ile1952Thr (NM_001306129.2); c.5585T>C, p.Ile1862Thr (NM_001306130.2, NM_001365517.2, NM_001365519.2 and 2 more transcripts); c.5312T>C, p.Ile1771Thr (NM_001306131.2, NM_001306132.2, NM_001365523.2 and 2 more transcripts); c.5582T>C, p.Ile1861Thr (NM_001365518.2, NM_001365520.2, NM_001365524.2 and 2 more transcripts); short protein forms I1771T, I1861T, I1862T, I1952T.
Identifiers: ClinVar variation 3607058 (VCV003607058.2).